The following is an entry in ClinVar:

ClinVar aggregate classification (germline): Likely pathogenic. Review status: reviewed by expert panel (3 of 4 stars). 2 submissions from 2 submitters: Likely pathogenic (1). 1 of the submissions does not count toward it. Last evaluated 2026-02-18.

Conditions:
Open-angle glaucoma. Identifiers: MedGen C0017612, MONDO:0005338, HP:0012108.
Glaucoma 1, open angle, A (GLC1A). Also called: Glaucoma, Dominant (Juvenile Onset). Identifiers: Orphanet 98977, MedGen C1842028, MONDO:0007664, OMIM 137750.

Submissions (2):

ClinGen Glaucoma Variant Curation Expert Panel
Classification: Likely pathogenic for Open-angle glaucoma. Last evaluated: 2026-02-18. Review status: reviewed by expert panel. Criteria: ClinGen Glaucoma ACMG Specifications V2.0.0 Approved. Collection method: curation. Allele origin: germline. Inheritance: Autosomal dominant inheritance.
Comment: The c.1153G>A variant in MYOC is a missense variant predicted to cause substitution of Glutamic acid by Lysine at amino acid 385 (p.Glu385Lys). This variant was not found in any genetic ancestry group of gnomAD (v4.1.0), meeting the ≤ 0.0001 threshold set for PM2_Supporting in a genetic ancestry group of at least 10,000 alleles. The REVEL score = 0.948, which met the ≥ 0.932 threshold for PP3_Strong, predicting a damaging effect on MYOC function. There was no functional evidence predicting a damaging or benign impact of this variant on MYOC function. 3 segregations in 1 family, with juvenile or primary open angle glaucoma (JOAG or POAG), have been reported (PMID: 31653660), which fulfilled PP1 (3-4 meioses). 2 probands with JOAG or POAG have been reported carrying this variant (PMIDs: 39998747, 31653660), which met PS4_Supporting (≥ 2 probands). In summary, this variant met the criteria to receive a score of 7 and to be classified as likely pathogenic (likely pathogenic classification range 6 to 9, adapted from PMID: 32720330) for juvenile open angle glaucoma based on the ACMG/AMP criteria met, as specified by the ClinGen Glaucoma VCEP (v2.0.0, 5 Dec 2024): PP3_Strong, PP1, PS4_Supporting, PM2_Supporting.

Pediatric Genomics Discovery Program, Yale University
Classification: Uncertain significance for Glaucoma 1, open angle, A. Last evaluated: 2017-11-29. Review status: criteria provided, single submitter. Criteria: ACMG Guidelines, 2015. Collection method: research. Allele origin: inherited. Inheritance: Autosomal dominant inheritance. Affected: yes. Observed: 4 variant alleles, 4 heterozygotes. Clinical features observed: Open-angle glaucoma (HP:0012108). Not counted in ClinVar's aggregate classification.
Comment: The heterozygous p.E385K variant was identified in a multi-generation family affected by glaucoma: three affected siblings and their affected father had onset of glaucoma before age 30, and all 4 individuals were identified to have this variant. There were no unaffected siblings of these individuals, thus segregation data is limited. The paternal grandfather of the siblings did not have glaucoma and also did not have the p.E385K variant. Other additional family members were known to have glaucoma but were deceased or otherwise unavailable for testing. This missense variant is absent from gnomAD. p.E385 is highly conserved in evolution, and p.E385K has multiple lines of computational evidence supporting a deleterious effect and a CADD score greater than 20.

NM_000261.2(MYOC):c.1153G>A (p.Glu385Lys)

Gene: MYOC (myocilin; minus strand). Cytogenetic location: 1q24.3.
Variant type: single nucleotide variant.
Coding change: c.1153G>A on transcript NM_000261.2 (MANE Select); coding-DNA position 1153, G replaced by A.
Protein change: p.Glu385Lys; replaces glutamic acid 385 with lysine.
Molecular consequence: missense variant.
Genome position (GRCh38, 1-based): chr1:171,636,287, C>T on the plus strand (G>A on the coding strand, the complement: MYOC is on the minus strand). VCF-style: chr1-171636287-C-T. GRCh37 (hg19) VCF-style: chr1-171605427-C-T.
Other names: NM_000261.2(MYOC):c.1153G>A; p.Glu385Lys; short protein forms E385K.
Identifiers: ClinVar variation 625855 (VCV000625855.6), dbSNP rs1033533679, ClinGen allele CA32685677.